The following is an entry in ClinVar:

ClinVar aggregate classification (germline): Uncertain significance (1 of 4 stars; one submission).

Conditions:
Autosomal recessive cerebellar ataxia-saccadic intrusion syndrome. Also called: SPINOCEREBELLAR ATAXIA 24; VPS13D Movement Disorder. Identifiers: Orphanet 95434, MedGen C1846492, MONDO:0011811, OMIM 607317.

gnomAD v4.1: 1 of 1,614,050 alleles (0.000062%); highest among the groups gnomAD compares: East Asian, 0.0022%; no homozygotes.

Submission:

Juno Genomics, Hangzhou Juno Genomics, Inc
Classification: Uncertain significance for Autosomal recessive cerebellar ataxia-saccadic intrusion syndrome. Review status: criteria provided, single submitter. Criteria: ACMG Guidelines, 2015. Collection method: clinical testing. Allele origin: germline.
Comment: Absent from controls (or at extremely low frequency if recessive) in Genome Aggregation Database.;Missense variant in a gene that has a low rate of benign missense variation.

NM_015378.4(VPS13D):c.9947G>A (p.Arg3316His)

Gene: VPS13D (vacuolar protein sorting 13 homolog D; plus strand). Cytogenetic location: 1p36.22.
Variant type: single nucleotide variant.
Coding change: c.9947G>A on transcript NM_015378.4 (MANE Select); coding-DNA position 9947, G replaced by A.
Protein change: p.Arg3316His; replaces arginine 3316 with histidine.
Molecular consequence: missense variant.
Genome position (GRCh38, 1-based): chr1:12,356,473, G>A. VCF-style: chr1-12356473-G-A. GRCh37 (hg19) VCF-style: chr1-12416530-G-A.
Other names: c.9872G>A, p.Arg3291His (NM_018156.4); short protein forms R3291H, R3316H.
Identifiers: ClinVar variation 5007551 (VCV005007551.2).
Genomic context (GRCh38, chr1:12,356,473, plus strand): 5'-TCAGACAGGACAATGCCAAGACAGATGCTGCAGGCCAGTTTGAGGAGCATGAGCTGGCCC[G>A]TAGCCTGAGTCCTCTCTTATTCTGCTATGCTGACAAAGAGCAGCCAAACCTGTGAGTACA-3'
Protein context (NP_056193.2, residues 3306-3326): AGQFEEHELA[Arg3316His]SLSPLLFCYA